The following is an entry in ClinVar:

NM_000125.4(ESR1):c.406C>T (p.Pro136Ser)

Gene: ESR1 (estrogen receptor 1; plus strand). Cytogenetic location: 6q25.1.
Variant type: single nucleotide variant.
Coding change: c.406C>T on transcript NM_000125.4 (MANE Select); coding-DNA position 406, C replaced by T.
Protein change: p.Pro136Ser; replaces proline 136 with serine.
Molecular consequence: missense variant.
Genome position (GRCh38, 1-based): chr6:151,808,318, C>T. VCF-style: chr6-151808318-C-T. GRCh37 (hg19) VCF-style: chr6-152129453-C-T.
Other names: c.406C>T, p.Pro136Ser (NM_001122740.2, NM_001122741.2, NM_001122742.2 and 7 more transcripts); short protein forms P136S.
Identifiers: ClinVar variation 709059 (VCV000709059.5), dbSNP rs201145204, ClinGen allele CA4052160.

ClinVar aggregate classification (germline): Likely benign. Review status: criteria provided, single submitter (1 of 4 stars). 2 submissions from 2 submitters: Likely benign (1). 1 of the submissions does not count toward it. Last evaluated 2019-12-31.

Allele frequency attached by ClinVar (database versions not stated): gnomAD exomes 0.00013 and 0.00024; ExAC 0.00051; 1000 Genomes Project 30x 0.00062; ESP Exome Variant Server 0.00072; 1000 Genomes Project 0.00080; gnomAD 0.00097 and 0.00103; TOPMed 0.00108.
gnomAD v4.1: 335 of 1,558,834 alleles (0.021%); highest among the groups gnomAD compares: African/African-American, 0.41%; no homozygotes.

Submissions (2):

Labcorp Genetics (formerly Invitae), Labcorp
Classification: Likely benign. Last evaluated: 2019-12-31. Review status: criteria provided, single submitter. Criteria: Invitae Variant Classification Sherloc (09022015). Collection method: clinical testing. Allele origin: germline.

Department of Pathology and Laboratory Medicine, Sinai Health System
Classification: Uncertain significance. Review status: no assertion criteria provided. Collection method: clinical testing. Allele origin: unknown. Affected: yes. Study: The Canadian Open Genetics Repository (COGR). Not counted in ClinVar's aggregate classification.
Comment: The ESR1 p.Pro136Ser variant was not identified in the literature nor was it identified in ClinVar, Cosmic or LOVD 3.0. The variant was identified in dbSNP (ID: rs201145204) and in control databases in 72 of 208534 chromosomes at a frequency of 0.000345 (Genome Aggregation Database Feb 27, 2017). The variant was observed in the following populations: African in 71 of 19540 chromosomes (freq: 0.003634) and Latino in 1 of 28696 chromosomes (freq: 0.000035), but was not observed in the Ashkenazi Jewish, East Asian, European (Finnish), European (non-Finnish), Other or South Asian populations. The p.Pro136 residue is not conserved in mammals and four out of five computational analyses (PolyPhen-2, SIFT, AlignGVGD, MutationTaster) do not suggest a high likelihood of impact to the protein; however, this information is not predictive enough to rule out pathogenicity. The variant occurs outside of the splicing consensus sequence and in silico or computational prediction software programs (SpliceSiteFinder, MaxEntScan, NNSPLICE, GeneSplicer) do not predict a difference in splicing. In summary, based on the above information the clinical significance of this variant cannot be determined with certainty at this time. This variant is classified as a variant of uncertain significance.